The following is an entry in ClinVar:

NM_006383.4(CIB2):c.409A>G (p.Lys137Glu)

Gene: CIB2 (calcium and integrin binding family member 2; minus strand). Cytogenetic location: 15q25.1.
Variant type: single nucleotide variant.
Coding change: c.409A>G on transcript NM_006383.4 (MANE Select); coding-DNA position 409, A replaced by G.
Protein change: p.Lys137Glu; replaces lysine 137 with glutamic acid.
Molecular consequence: missense variant. On other transcripts: non-coding transcript variant (1).
Genome position (GRCh38, 1-based): chr15:78,105,872, T>C on the plus strand (A>G on the coding strand, the complement: CIB2 is on the minus strand). VCF-style: chr15-78105872-T-C. GRCh37 (hg19) VCF-style: chr15-78398214-T-C.
Other names: c.280A>G, p.Lys94Glu (NM_001271888.2); c.262A>G, p.Lys88Glu (NM_001271889.2); c.424A>G, p.Lys142Glu (NM_001301224.2); short protein forms K88E, K142E, K137E, K94E.
Identifiers: ClinVar variation 1446539 (VCV001446539.6), dbSNP rs771708419, ClinGen allele CA7680173.

ClinVar aggregate classification (germline): Uncertain significance (1 of 4 stars; one submission).

Allele frequency attached by ClinVar (database versions not stated): gnomAD exomes below 0.00001; ExAC 0.00001.
gnomAD v4.1: 1 of 1,614,194 alleles (0.000062%); no homozygotes.

Submission:

Labcorp Genetics (formerly Invitae), Labcorp
Classification: Uncertain significance. Last evaluated: 2024-10-29. Review status: criteria provided, single submitter. Criteria: Invitae Variant Classification Sherloc (09022015). Collection method: clinical testing. Allele origin: germline.
Comment: This sequence change replaces lysine, which is basic and polar, with glutamic acid, which is acidic and polar, at codon 137 of the CIB2 protein (p.Lys137Glu). This variant is not present in population databases (gnomAD no frequency). This variant has not been reported in the literature in individuals affected with CIB2-related conditions. ClinVar contains an entry for this variant (Variation ID: 1446539). An algorithm developed to predict the effect of missense changes on protein structure and function (PolyPhen-2) suggests that this variant is likely to be disruptive. In summary, the available evidence is currently insufficient to determine the role of this variant in disease. Therefore, it has been classified as a Variant of Uncertain Significance.